The following is an entry in ClinVar:

NM_014846.4(WASHC5):c.2829G>A (p.Ala943=)

Genes: WASHC5 (WASH complex subunit 5; minus strand), WASHC5-AS1 (WASHC5 antisense RNA 1; plus strand). Cytogenetic location: 8q24.13.
Variant type: single nucleotide variant.
Coding change: c.2829G>A on transcript NM_014846.4 (MANE Select); coding-DNA position 2829, G replaced by A.
Protein change: p.Ala943=; no amino-acid change (alanine 943 retained).
Molecular consequence: synonymous variant.
Genome position (GRCh38, 1-based): chr8:125,043,846, C>T on the plus strand (G>A on the coding strand, the complement: WASHC5 is on the minus strand). VCF-style: chr8-125043846-C-T. GRCh37 (hg19) VCF-style: chr8-126056088-C-T.
Other names: c.2385G>A, p.Ala795= (NM_001330609.2).
Identifiers: ClinVar variation 390766 (VCV000390766.34), dbSNP rs369339497, ClinGen allele CA4873426.

ClinVar aggregate classification (germline): Likely benign. Review status: criteria provided, multiple submitters, no conflicts (2 of 4 stars). 5 submissions from 5 submitters: Likely benign (5). Last evaluated 2024-02-05.

Conditions:
Hereditary spastic paraplegia 8 (SPG8). Also called: SPASTIC PARAPLEGIA 8, AUTOSOMAL DOMINANT. Identifiers: Orphanet 100989, MedGen C1863704, MONDO:0011339, OMIM 603563.
Ritscher-Schinzel syndrome. Also called: CRANIOCEREBELLOCARDIAC DYSPLASIA. Identifiers: Orphanet 7, MedGen C0796137, MONDO:0019078.

Allele frequency attached by ClinVar (database versions not stated): ExAC 0.00007; ESP Exome Variant Server 0.00008; gnomAD exomes 0.00008 and 0.00013; gnomAD 0.00012 and 0.00013; 1000 Genomes Project 30x 0.00016; TOPMed 0.00016; 1000 Genomes Project 0.00020.
gnomAD v4.1: 204 of 1,611,172 alleles (0.013%); highest among the groups gnomAD compares: Non-Finnish European, 0.016%; 1 homozygote.

Submissions (5):

Blueprint Genetics
Classification: Likely benign. Last evaluated: 2024-02-05. Review status: criteria provided, single submitter. Criteria: ACMG Guidelines, 2015. Collection method: clinical testing. Allele origin: germline.

Athena Diagnostics
Classification: Likely benign. Last evaluated: 2024-01-17. Review status: criteria provided, single submitter. Criteria: Athena Diagnostics Criteria. Collection method: clinical testing. Allele origin: unknown.

Labcorp Genetics (formerly Invitae), Labcorp
Classification: Likely benign for Ritscher-Schinzel syndrome; Hereditary spastic paraplegia 8. Last evaluated: 2024-01-05. Review status: criteria provided, single submitter. Criteria: Invitae Variant Classification Sherloc (09022015). Collection method: clinical testing. Allele origin: germline.

CeGaT Center for Human Genetics Tuebingen
Classification: Likely benign. Last evaluated: 2022-08-01. Review status: criteria provided, single submitter. Criteria: CeGaT Center For Human Genetics Tuebingen Variant Classification Criteria Version 2. Collection method: clinical testing. Allele origin: germline. Affected: yes. Observed: 1 variant allele.
Comment: WASHC5: BP4, BP7

GeneDx
Classification: Likely benign. Last evaluated: 2016-11-10. Review status: criteria provided, single submitter. Criteria: GeneDx Variant Classification (06012015). Collection method: clinical testing. Allele origin: germline. Affected: yes.
Comment: This variant is considered likely benign or benign based on one or more of the following criteria: it is a conservative change, it occurs at a poorly conserved position in the protein, it is predicted to be benign by multiple in silico algorithms, and/or has population frequency not consistent with disease.